The following is an entry in ClinVar:

NM_000059.4(BRCA2):c.4925dup (p.Asn1642fs)

Gene: BRCA2 (BRCA2 DNA repair associated; plus strand). Cytogenetic location: 13q13.1.
Variant type: Duplication.
Coding change: c.4925dup on transcript NM_000059.4 (MANE Select); coding-DNA position 4925, one base duplicated (A; older notation c.4925dupA).
Protein change: p.Asn1642fs; shifts the reading frame from asparagine 1642.
Molecular consequence: frameshift variant. On other transcripts: non-coding transcript variant (1), intron variant (2).
Genome position (GRCh38, 1-based): chr13:32,339,280, A duplicated; the last of 4 consecutive A bases (chr13:32,339,277-32,339,280); duplicating any one gives the same sequence. VCF-style (leftmost placement, unchanged base first): chr13-32339276-G-GA. GRCh37 (hg19) VCF-style: chr13-32913413-G-GA.
Other names: c.4925dup, p.Asn1642fs (NM_001406719.1, NM_001406720.1, NM_001432077.1); c.1910-5278dup (NM_001406721.1); c.425-5278dup (NM_001406722.1); short protein forms N1642fs.
Identifiers: ClinVar variation 5040617 (VCV005040617.1).

ClinVar aggregate classification (germline): Pathogenic (1 of 4 stars; one submission).

Submission:

CeGaT Center for Human Genetics Tuebingen
Classification: Pathogenic. Last evaluated: 2026-08-01. Review status: criteria provided, single submitter. Criteria: CeGaT Center For Human Genetics Tuebingen Variant Classification Criteria Version 2. Collection method: clinical testing. Allele origin: germline. Affected: yes. Observed: 1 variant allele.
Comment: BRCA2: PVS1, PM2